The following is an entry in ClinVar:

NM_000548.5(TSC2):c.1216A>G (p.Arg406Gly)

Gene: TSC2 (TSC complex subunit 2; plus strand). Cytogenetic location: 16p13.3.
Variant type: single nucleotide variant.
Coding change: c.1216A>G on transcript NM_000548.5 (MANE Select); coding-DNA position 1216, A replaced by G.
Protein change: p.Arg406Gly; replaces arginine 406 with glycine.
Molecular consequence: missense variant.
Genome position (GRCh38, 1-based): chr16:2,061,967, A>G. VCF-style: chr16-2061967-A-G. GRCh37 (hg19) VCF-style: chr16-2111968-A-G.
Other names: c.1216A>G, p.Arg406Gly (NM_001077183.3, NM_001114382.3, NM_001363528.2 and 3 more transcripts); c.1105A>G, p.Arg369Gly (NM_001318827.2); c.1069A>G, p.Arg357Gly (NM_001318829.2); c.616A>G, p.Arg206Gly (NM_001318831.2); c.1249A>G, p.Arg417Gly (NM_001318832.2); c.1216A>G (NM_000548.3); short protein forms R357G, R406G, R206G, R417G, R369G.
Identifiers: ClinVar variation 1395138 (VCV001395138.9), dbSNP rs2151156367, ClinGen allele CA394321074.

ClinVar aggregate classification (germline): Uncertain significance. Review status: criteria provided, multiple submitters, no conflicts (2 of 4 stars). 3 submissions from 3 submitters: Uncertain significance (3). Last evaluated 2026-01-03.

Conditions:
Tuberous sclerosis 2 (TSC2). Identifiers: Orphanet 805, MedGen C1860707, MONDO:0013199, OMIM 613254.
Hereditary cancer-predisposing syndrome. Also called: Hereditary neoplastic syndrome; Tumor predisposition; Neoplastic Syndromes, Hereditary; Hereditary Cancer Syndrome. Identifiers: Orphanet 140162, MedGen C0027672, MeSH D009386, MONDO:0015356.
Isolated focal cortical dysplasia type II (FCORD2). Also called: Focal cortical dysplasia type II; CORTICAL DYSPLASIA OF TAYLOR. Identifiers: Orphanet 268994, MedGen C1846385, MONDO:0011818, OMIM 607341, HP:0032051.

Submissions (3):

Ambry Genetics
Classification: Uncertain significance for Hereditary cancer-predisposing syndrome. Last evaluated: 2026-01-03. Review status: criteria provided, single submitter. Criteria: Ambry Variant Classification Scheme 2023. Collection method: clinical testing. Allele origin: germline.
Comment: The p.R406G variant (also known as c.1216A>G), located in coding exon 11 of the TSC2 gene, results from an A to G substitution at nucleotide position 1216. The arginine at codon 406 is replaced by glycine, an amino acid with dissimilar properties. This amino acid position is conserved. In addition, this alteration is predicted to be deleterious by in silico analysis. Based on the available evidence, the clinical significance of this variant remains unclear.

Labcorp Genetics (formerly Invitae), Labcorp
Classification: Uncertain significance for Tuberous sclerosis 2. Last evaluated: 2021-11-26. Review status: criteria provided, single submitter. Criteria: Invitae Variant Classification Sherloc (09022015). Collection method: clinical testing. Allele origin: germline.
Comment: In summary, the available evidence is currently insufficient to determine the role of this variant in disease. Therefore, it has been classified as a Variant of Uncertain Significance. Advanced modeling of protein sequence and biophysical properties (such as structural, functional, and spatial information, amino acid conservation, physicochemical variation, residue mobility, and thermodynamic stability) performed at Invitae indicates that this missense variant is not expected to disrupt TSC2 protein function. This variant has not been reported in the literature in individuals affected with TSC2-related conditions. This variant is not present in population databases (gnomAD no frequency). This sequence change replaces arginine, which is basic and polar, with glycine, which is neutral and non-polar, at codon 406 of the TSC2 protein (p.Arg406Gly).

Department of Clinical Genetics, Copenhagen University Hospital, Rigshospitalet
Classification: Uncertain significance for Isolated focal cortical dysplasia type II. Last evaluated: 2021-08-01. Review status: criteria provided, single submitter. Criteria: ACMG Guidelines, 2015. Collection method: clinical testing. Allele origin: unknown. Affected: yes.